The following is an entry in ClinVar:

NM_152641.4(ARID2):c.3004_3006del (p.Thr1002del)

Gene: ARID2 (AT-rich interaction domain 2; plus strand). Cytogenetic location: 12q12.
Variant type: Deletion.
Coding change: c.3004_3006del on transcript NM_152641.4 (MANE Select); coding-DNA positions 3004 to 3006, 3 bases deleted (ACT; older notation c.3004_3006delACT).
Protein change: p.Thr1002del; deletes threonine 1002.
Genome position (GRCh38, 1-based): chr12:45,851,127-45,851,129, ACT deleted; deleting any 3 consecutive bases within chr12:45,851,125-45,851,129 gives the same sequence; the c. name uses the placement nearest the transcript's 3' end. VCF-style (leftmost placement, unchanged base first): chr12-45851124-CCTA-C. GRCh37 (hg19) VCF-style: chr12-46244907-CCTA-C.
Other names: c.3004_3006del, p.Thr1002del (NM_001347839.2); short protein forms T1002del.
Identifiers: ClinVar variation 4082649 (VCV004082649.1).

ClinVar aggregate classification (germline): Uncertain significance (1 of 4 stars; one submission).

Submission:

GeneDx
Classification: Uncertain significance. Last evaluated: 2025-03-04. Review status: criteria provided, single submitter. Criteria: GeneDx Variant Classification Process June 2021. Collection method: clinical testing. Allele origin: germline. Affected: yes.
Comment: Not observed at significant frequency in large population cohorts (gnomAD); In-frame deletion of 1 amino acid(s) in a non-repeat region; In silico analysis supports a deleterious effect on protein structure/function; Has not been previously published as pathogenic or benign to our knowledge